The following is an entry in ClinVar:

ClinVar aggregate classification (germline): Uncertain significance. Review status: criteria provided, multiple submitters, no conflicts (2 of 4 stars). 2 submissions from 2 submitters: Uncertain significance (2). Last evaluated 2025-02-12.

Conditions:
EGFR-related lung cancer (EGFR). Identifiers: MedGen CN130014.
Hereditary cancer-predisposing syndrome. Also called: Neoplastic Syndromes, Hereditary; Hereditary neoplastic syndrome; Tumor predisposition; Hereditary Cancer Syndrome. Identifiers: Orphanet 140162, MedGen C0027672, MeSH D009386, MONDO:0015356.

Submissions (2):

Labcorp Genetics (formerly Invitae), Labcorp
Classification: Uncertain significance for EGFR-related lung cancer. Last evaluated: 2025-02-12. Review status: criteria provided, single submitter. Criteria: Invitae Variant Classification Sherloc (09022015). Collection method: clinical testing. Allele origin: germline.
Comment: This sequence change replaces phenylalanine, which is neutral and non-polar, with serine, which is neutral and polar, at codon 48 of the EGFR protein (p.Phe48Ser). This variant is present in population databases (no rsID available, gnomAD 0.0009%). This variant has not been reported in the literature in individuals affected with EGFR-related conditions. ClinVar contains an entry for this variant (Variation ID: 2895879). Invitae Evidence Modeling of protein sequence and biophysical properties (such as structural, functional, and spatial information, amino acid conservation, physicochemical variation, residue mobility, and thermodynamic stability) indicates that this missense variant is not expected to disrupt EGFR protein function with a negative predictive value of 80%. In summary, the available evidence is currently insufficient to determine the role of this variant in disease. Therefore, it has been classified as a Variant of Uncertain Significance.

Ambry Genetics
Classification: Uncertain significance for Hereditary cancer-predisposing syndrome. Last evaluated: 2025-01-14. Review status: criteria provided, single submitter. Criteria: Ambry Variant Classification Scheme 2023. Collection method: clinical testing. Allele origin: germline.
Comment: The p.F48S variant (also known as c.143T>C), located in coding exon 2 of the EGFR gene, results from a T to C substitution at nucleotide position 143. The phenylalanine at codon 48 is replaced by serine, an amino acid with highly dissimilar properties. This amino acid position is not well conserved in available vertebrate species. In addition, this alteration is predicted to be deleterious by in silico analysis. Based on the available evidence, the clinical significance of this variant remains unclear.

NM_005228.5(EGFR):c.143T>C (p.Phe48Ser)

Gene: EGFR (epidermal growth factor receptor; plus strand). Cytogenetic location: 7p11.2.
Variant type: single nucleotide variant.
Coding change: c.143T>C on transcript NM_005228.5 (MANE Select); coding-DNA position 143, T replaced by C.
Protein change: p.Phe48Ser; replaces phenylalanine 48 with serine.
Molecular consequence: missense variant. On other transcripts: 5 prime UTR variant (1), intron variant (1).
Genome position (GRCh38, 1-based): chr7:55,142,340, T>C. VCF-style: chr7-55142340-T-C. GRCh37 (hg19) VCF-style: chr7-55210033-T-C.
Other names: c.143T>C, p.Phe48Ser (NM_001346897.2, NM_001346898.2, NM_001346899.2 and 3 more transcripts); c.-17T>C (NM_001346900.2); c.89-13490T>C (NM_001346941.2); short protein forms F48S.
Identifiers: ClinVar variation 2895879 (VCV002895879.4), dbSNP rs1263793183, ClinGen allele CA367574424.